The following is an entry in ClinVar:

ClinVar aggregate classification (germline): Uncertain significance. Review status: criteria provided, multiple submitters, no conflicts (2 of 4 stars). 2 submissions from 2 submitters: Uncertain significance (2). Last evaluated 2024-07-14.

Conditions:
Inborn genetic diseases. Identifiers: MedGen C0950123, MeSH D030342.
Short-rib thoracic dysplasia 14 with polydactyly (SRTD14). Identifiers: Orphanet 397715, MedGen C4225286, MONDO:0014688, OMIM 616546.
Joubert syndrome 23 (JBTS23). Identifiers: Orphanet 475, MedGen C4084822, MONDO:0014664, OMIM 616490.

Allele frequency attached by ClinVar (database versions not stated): gnomAD exomes below 0.00001 and 0.00003; gnomAD 0.00002 and 0.00003; TOPMed 0.00002; ExAC 0.00004; 1000 Genomes Project 30x 0.00016; 1000 Genomes Project 0.00020.
gnomAD v4.1: 10 of 1,550,970 alleles (0.00064%); highest among the groups gnomAD compares: East Asian, 0.024%; no homozygotes.

Submissions (2):

Ambry Genetics
Classification: Uncertain significance for Inborn genetic diseases. Last evaluated: 2024-07-14. Review status: criteria provided, single submitter. Criteria: Ambry Variant Classification Scheme 2023. Collection method: clinical testing. Allele origin: germline.

Labcorp Genetics (formerly Invitae), Labcorp
Classification: Uncertain significance for Joubert syndrome 23; Short-rib thoracic dysplasia 14 with polydactyly. Last evaluated: 2024-06-03. Review status: criteria provided, single submitter. Criteria: Invitae Variant Classification Sherloc (09022015). Collection method: clinical testing. Allele origin: germline.
Comment: This sequence change replaces glutamine, which is neutral and polar, with arginine, which is basic and polar, at codon 1377 of the KIAA0586 protein (p.Gln1377Arg). This variant is present in population databases (rs554032625, gnomAD 0.04%). This variant has not been reported in the literature in individuals affected with KIAA0586-related conditions. ClinVar contains an entry for this variant (Variation ID: 1483847). Advanced modeling of protein sequence and biophysical properties (such as structural, functional, and spatial information, amino acid conservation, physicochemical variation, residue mobility, and thermodynamic stability) performed at Invitae indicates that this missense variant is expected to disrupt KIAA0586 protein function with a positive predictive value of 80%. In summary, the available evidence is currently insufficient to determine the role of this variant in disease. Therefore, it has been classified as a Variant of Uncertain Significance.

NM_001329943.3(KIAA0586):c.3971A>G (p.Gln1324Arg)

Gene: KIAA0586 (KIAA0586; plus strand). Cytogenetic location: 14q23.1.
Variant type: single nucleotide variant.
Coding change: c.3971A>G on transcript NM_001329943.3 (MANE Select); coding-DNA position 3971, A replaced by G.
Protein change: p.Gln1324Arg; replaces glutamine 1324 with arginine.
Molecular consequence: missense variant. On other transcripts: intron variant (1).
Genome position (GRCh38, 1-based): chr14:58,492,256, A>G. VCF-style: chr14-58492256-A-G. GRCh37 (hg19) VCF-style: chr14-58958974-A-G.
Other names: c.4130A>G, p.Gln1377Arg (NM_001244189.2); c.3926A>G, p.Gln1309Arg (NM_001244190.2); c.3716A>G, p.Gln1239Arg (NM_001244191.2, NM_001329945.2, NM_001364700.1 and 1 more transcripts); c.3839A>G, p.Gln1280Arg (NM_001244192.2); c.3551A>G, p.Gln1184Arg (NM_001244193.2); c.3971A>G, p.Gln1324Arg (NM_001329944.2, NM_001329946.2); c.3743A>G, p.Gln1248Arg (NM_014749.5); c.3858+2016A>G (NM_001329947.2); and 1 more; short protein forms Q1248R, Q1280R, Q1309R, Q1324R, Q1184R, Q1239R, Q1377R.
Identifiers: ClinVar variation 1483847 (VCV001483847.5), dbSNP rs554032625, ClinGen allele CA7206291.